The following is an entry in ClinVar:

ClinVar aggregate classification (germline): Uncertain significance (1 of 4 stars; one submission).

gnomAD v4.1: 6 of 1,611,574 alleles (0.00037%); highest among the groups gnomAD compares: African/African-American, 0.0013%; no homozygotes.

Submission:

GeneDx
Classification: Uncertain significance. Last evaluated: 2023-07-31. Review status: criteria provided, single submitter. Criteria: GeneDx Variant Classification Process June 2021. Collection method: clinical testing. Allele origin: germline. Affected: yes.
Comment: Not observed at significant frequency in large population cohorts (gnomAD); In silico analysis supports that this missense variant has a deleterious effect on protein structure/function; Has not been previously published as pathogenic or benign to our knowledge

NM_006267.5(RANBP2):c.178C>T (p.Pro60Ser)

Gene: RANBP2 (RAN binding protein 2; plus strand). Cytogenetic location: 2q13.
Variant type: single nucleotide variant.
Coding change: c.178C>T on transcript NM_006267.5 (MANE Select); coding-DNA position 178, C replaced by T.
Protein change: p.Pro60Ser; replaces proline 60 with serine.
Molecular consequence: missense variant.
Genome position (GRCh38, 1-based): chr2:108,730,811, C>T. VCF-style: chr2-108730811-C-T. GRCh37 (hg19) VCF-style: chr2-109347267-C-T.
Other names: c.178C>T, p.Pro60Ser (NM_001415871.1, NM_001415873.1); c.175C>T, p.Pro59Ser (NM_001415872.1); short protein forms P59S, P60S.
Identifiers: ClinVar variation 3361547 (VCV003361547.1).
Genomic context (GRCh38, chr2:108,730,811, plus strand): 5'-TTTGTATTACTTTTAAAAAACAGATACATATGTACTTACATTAATGTGCAAGAGAGGGAT[C>T]CCAAAGCTCACAGATTTCTGGGTCTTCTTTATGAATTGGAAGAAAACACAGACAAAGCCG-3'
Protein context (NP_006258.3, residues 50-70): CTYINVQERD[Pro60Ser]KAHRFLGLLY